The following is an entry in ClinVar:

ClinVar aggregate classification (germline): Uncertain significance (1 of 4 stars; one submission).

Submission:

Labcorp Genetics (formerly Invitae), Labcorp
Classification: Uncertain significance. Last evaluated: 2025-06-12. Review status: criteria provided, single submitter. Criteria: Invitae Variant Classification Sherloc (09022015). Collection method: clinical testing. Allele origin: germline.
Comment: This sequence change replaces serine, which is neutral and polar, with cysteine, which is neutral and slightly polar, at codon 940 of the ROBO1 protein (p.Ser940Cys). This variant is not present in population databases (gnomAD no frequency). This variant has not been reported in the literature in individuals affected with ROBO1-related conditions. An algorithm developed to predict the effect of missense changes on protein structure and function (PolyPhen-2) suggests that this variant is likely to be disruptive. In summary, the available evidence is currently insufficient to determine the role of this variant in disease. Therefore, it has been classified as a Variant of Uncertain Significance.

NM_002941.4(ROBO1):c.2819C>G (p.Ser940Cys)

Gene: ROBO1 (roundabout guidance receptor 1; minus strand). Cytogenetic location: 3p12.3.
Variant type: single nucleotide variant.
Coding change: c.2819C>G on transcript NM_002941.4 (MANE Select); coding-DNA position 2819, C replaced by G.
Protein change: p.Ser940Cys; replaces serine 940 with cysteine.
Molecular consequence: missense variant. On other transcripts: intron variant (2).
Genome position (GRCh38, 1-based): chr3:78,647,649, G>C on the plus strand (C>G on the coding strand, the complement: ROBO1 is on the minus strand). VCF-style: chr3-78647649-G-C. GRCh37 (hg19) VCF-style: chr3-78696799-G-C.
Other names: c.2705-1459C>G (NM_001145845.2, NM_133631.4); short protein forms S940C.
Identifiers: ClinVar variation 4718444 (VCV004718444.1).